The following is an entry in ClinVar:

NC_000002.11:g.(?_166237246)_(166237713_?)del

Gene: SCN2A (sodium voltage-gated channel alpha subunit 2; plus strand). Cytogenetic location: 2q24.3.
Variant type: Deletion.
Identifiers: ClinVar variation 1459190 (VCV001459190.2).

ClinVar aggregate classification (germline): Pathogenic (1 of 4 stars; one submission).

Conditions:
Seizures, benign familial infantile, 3 (BFIS3). Also called: Familial neonatal seizures; CONVULSIONS, BENIGN FAMILIAL INFANTILE, 3. Identifiers: Orphanet 140927, Orphanet 306, MedGen C1843140, MONDO:0011904, OMIM 607745.
Developmental and epileptic encephalopathy, 11 (DEE11). Also called: Early infantile epileptic encephalopathy 11. Identifiers: Orphanet 1934, MedGen C3150987, MONDO:0013388, OMIM 613721.

Submission:

Labcorp Genetics (formerly Invitae), Labcorp
Classification: Pathogenic for Seizures, benign familial infantile, 3; Developmental and epileptic encephalopathy, 11. Last evaluated: 2023-07-07. Review status: criteria provided, single submitter. Criteria: Invitae Variant Classification Sherloc (09022015). Collection method: clinical testing. Allele origin: germline.
Comment: For these reasons, this variant has been classified as Pathogenic. This variant disrupts a region of the SCN2A protein in which other variant(s) (p.Met1490Val) have been determined to be pathogenic (PMID: 31487502; Invitae). This suggests that this is a clinically significant region of the protein, and that variants that disrupt it are likely to be disease-causing. This variant has not been reported in the literature in individuals affected with SCN2A-related conditions. This variant is a gross deletion of the genomic region encompassing exon(s) 25 of the SCN2A gene. This variant would be expected to be in-frame, preserving the integrity of the reading frame.

Literature cited by the submitters: PubMed 31487502.